The following is an entry in ClinVar:

ClinVar aggregate classification (germline): Uncertain significance (1 of 4 stars; one submission).

Conditions:
Nemaline myopathy 8 (NEM8). Also called: Nemaline myopathy 8, autosomal recessive. Identifiers: Orphanet 171430, MedGen C3809209, MONDO:0014138, OMIM 615348.

gnomAD v4.1: 1 of 1,600,234 alleles (0.000062%); highest among the groups gnomAD compares: Non-Finnish European, 0.000085%; no homozygotes.

Submission:

Labcorp Genetics (formerly Invitae), Labcorp
Classification: Uncertain significance for Nemaline myopathy 8. Last evaluated: 2022-09-01. Review status: criteria provided, single submitter. Criteria: Invitae Variant Classification Sherloc (09022015). Collection method: clinical testing. Allele origin: germline.
Comment: In summary, the available evidence is currently insufficient to determine the role of this variant in disease. Therefore, it has been classified as a Variant of Uncertain Significance. Algorithms developed to predict the effect of missense changes on protein structure and function (SIFT, PolyPhen-2, Align-GVGD) all suggest that this variant is likely to be tolerated. ClinVar contains an entry for this variant (Variation ID: 1412931). This variant has not been reported in the literature in individuals affected with KLHL40-related conditions. This variant is not present in population databases (gnomAD no frequency). This sequence change replaces alanine, which is neutral and non-polar, with serine, which is neutral and polar, at codon 167 of the KLHL40 protein (p.Ala167Ser).

NM_152393.4(KLHL40):c.499G>T (p.Ala167Ser)

Gene: KLHL40 (kelch like family member 40; plus strand). Cytogenetic location: 3p22.1.
Variant type: single nucleotide variant.
Coding change: c.499G>T on transcript NM_152393.4 (MANE Select); coding-DNA position 499, G replaced by T.
Protein change: p.Ala167Ser; replaces alanine 167 with serine.
Molecular consequence: missense variant.
Genome position (GRCh38, 1-based): chr3:42,686,117, G>T. VCF-style: chr3-42686117-G-T. GRCh37 (hg19) VCF-style: chr3-42727609-G-T.
Other names: short protein forms A167S.
Identifiers: ClinVar variation 1412931 (VCV001412931.6), dbSNP rs2125844665, ClinGen allele CA352289596.